The following is an entry in ClinVar:

ClinVar aggregate classification (germline): Likely benign (1 of 4 stars; one submission).

Allele frequency attached by ClinVar (database versions not stated): gnomAD 0.00012 and 0.00013.

Submission:

GeneDx
Classification: Likely benign. Last evaluated: 2016-03-15. Review status: criteria provided, single submitter. Criteria: GeneDx Variant Classification (06012015). Collection method: clinical testing. Allele origin: germline. Affected: yes.
Comment: This variant is considered likely benign or benign based on one or more of the following criteria: it is a conservative change, it occurs at a poorly conserved position in the protein, it is predicted to be benign by multiple in silico algorithms, and/or has population frequency not consistent with disease.

NM_001130438.3(SPTAN1):c.-66_-49dup

Genes: SPTAN1 (spectrin alpha, non-erythrocytic 1; plus strand), LOC130002712 (ATAC-STARR-seq lymphoblastoid silent region 20345; plus strand). Cytogenetic location: 9q34.11.
Variant type: Duplication.
Coding change: c.-66_-49dup on transcript NM_001130438.3 (MANE Select); 66 bases upstream of the start codon through 49 bases upstream of the start codon, 18 bases duplicated (GCTCCTCGGTCCTTCAGC).
Molecular consequence: 5 prime UTR variant.
Genome position (GRCh38, 1-based): chr9:128,552,634-128,552,651, GCTCCTCGGTCCTTCAGC duplicated. VCF-style (leftmost placement, unchanged base first): chr9-128552633-G-GGCTCCTCGGTCCTTCAGC. GRCh37 (hg19) VCF-style: chr9-131314912-G-GGCTCCTCGGTCCTTCAGC.
Other names: c.-66_-49dupGCTCCTCGGTCCTTCAGC (NM_001130438.2); c.-66_-49dup (NM_001195532.2, NM_001363759.2, NM_001363765.2 and 1 more transcripts).
Identifiers: ClinVar variation 420615 (VCV000420615.1), dbSNP rs1055561225, ClinGen allele CA16618758.